The following is an entry in ClinVar:

NM_015559.3(SETBP1):c.1955_1956dup (p.Gly653fs)

Gene: SETBP1 (SET binding protein 1; plus strand). Cytogenetic location: 18q12.3.
Variant type: Duplication.
Coding change: c.1955_1956dup on transcript NM_015559.3 (MANE Select); coding-DNA positions 1955 to 1956, 2 bases duplicated (TT; older notation c.1955_1956dupTT).
Protein change: p.Gly653fs; shifts the reading frame from glycine 653.
Molecular consequence: frameshift variant.
Genome position (GRCh38, 1-based): chr18:44,951,295-44,951,296, TT duplicated. VCF-style (leftmost placement, unchanged base first): chr18-44951294-G-GTT. GRCh37 (hg19) VCF-style: chr18-42531259-G-GTT.
Other names: c.1955_1956dup, p.Gly653fs (NM_001379141.1, NM_001379142.1, NM_001410862.1); short protein forms G653fs.
Identifiers: ClinVar variation 2572532 (VCV002572532.1), dbSNP rs2511469942, ClinGen allele CA2580612983.

ClinVar aggregate classification (germline): Likely pathogenic (1 of 4 stars; one submission).

Conditions:
Schinzel-Giedion syndrome (SGS). Identifiers: Orphanet 798, MedGen C0265227, MONDO:0010010, OMIM 269150.

Submission:

3billion
Classification: Likely pathogenic for Schinzel-Giedion syndrome. Review status: criteria provided, single submitter. Criteria: ACMG Guidelines, 2015. Collection method: clinical testing. Allele origin: unknown. Affected: yes. Observed: 1 heterozygote.
Comment: The variant is not observed in the gnomAD v2.1.1 dataset. The variant is predicted to result in a loss or disruption of normal protein function through nonsense-mediated decay (NMD) or protein truncation. Multiple pathogenic variants are reported downstream of the variant. Therefore, this variant is classified as Likely pathogenic according to the recommendation of ACMG/AMP guideline.